The following is an entry in ClinVar:

ClinVar aggregate classification (germline): Uncertain significance (1 of 4 stars; one submission).

Conditions:
Werner syndrome (WRN). Identifiers: Orphanet 902, MedGen C0043119, MONDO:0010196, OMIM 277700.

Allele frequency attached by ClinVar (database versions not stated): TOPMed below 0.00001; gnomAD 0.00001.
gnomAD v4.1: 3 of 1,612,648 alleles (0.00019%); highest among the groups gnomAD compares: African/African-American, 0.0027%; no homozygotes.

Submission:

Labcorp Genetics (formerly Invitae), Labcorp
Classification: Uncertain significance for Werner syndrome. Last evaluated: 2021-06-25. Review status: criteria provided, single submitter. Criteria: Invitae Variant Classification Sherloc (09022015). Collection method: clinical testing. Allele origin: germline.
Comment: This variant is not present in population databases (ExAC no frequency). This sequence change replaces glycine with valine at codon 592 of the WRN protein (p.Gly592Val). The glycine residue is moderately conserved and there is a moderate physicochemical difference between glycine and valine. This variant has not been reported in the literature in individuals with WRN-related conditions. Algorithms developed to predict the effect of missense changes on protein structure and function are either unavailable or do not agree on the potential impact of this missense change (SIFT: "Tolerated"; PolyPhen-2: "Probably Damaging"; Align-GVGD: "Class C15"). In summary, the available evidence is currently insufficient to determine the role of this variant in disease. Therefore, it has been classified as a Variant of Uncertain Significance.

NM_000553.6(WRN):c.1775G>T (p.Gly592Val)

Gene: WRN (WRN RecQ like helicase; plus strand). Cytogenetic location: 8p12.
Variant type: single nucleotide variant.
Coding change: c.1775G>T on transcript NM_000553.6 (MANE Select); coding-DNA position 1775, G replaced by T.
Protein change: p.Gly592Val; replaces glycine 592 with valine.
Molecular consequence: missense variant.
Genome position (GRCh38, 1-based): chr8:31,090,888, G>T. VCF-style: chr8-31090888-G-T. GRCh37 (hg19) VCF-style: chr8-30948404-G-T.
Other names: short protein forms G592V.
Identifiers: ClinVar variation 960285 (VCV000960285.5), dbSNP rs1813722321, ClinGen allele CA370927839.